The following is an entry in ClinVar:

NM_000712.4(BLVRA):c.13C>A (p.Pro5Thr)

Gene: BLVRA (biliverdin reductase A; plus strand). Cytogenetic location: 7p13.
Variant type: single nucleotide variant.
Coding change: c.13C>A on transcript NM_000712.4 (MANE Select); coding-DNA position 13, C replaced by A.
Protein change: p.Pro5Thr; replaces proline 5 with threonine.
Molecular consequence: missense variant.
Genome position (GRCh38, 1-based): chr7:43,787,904, C>A. VCF-style: chr7-43787904-C-A. GRCh37 (hg19) VCF-style: chr7-43827503-C-A.
Other names: c.13C>A, p.Pro5Thr (NM_001253823.2); c.13C>A (NM_000712.3); short protein forms P5T.
Identifiers: ClinVar variation 2142366 (VCV002142366.6), dbSNP rs140584840, ClinGen allele CA4233973.

ClinVar aggregate classification (germline): Conflicting classifications of pathogenicity. Review status: criteria provided, conflicting classifications (1 of 4 stars). 3 submissions from 3 submitters: Uncertain significance (1); Likely benign (2). Last evaluated 2026-03-24.

Conditions:
BLVRA-related disorder. Also called: BLVRA-related condition.

Allele frequency attached by ClinVar (database versions not stated): ExAC 0.00023; ESP Exome Variant Server 0.00077; TOPMed 0.00079; 1000 Genomes Project 30x 0.00109; 1000 Genomes Project 0.00120.
gnomAD v4.1: 203 of 1,614,144 alleles (0.013%); highest among the groups gnomAD compares: African/African-American, 0.25%; 1 homozygote.

Submissions (3):

PreventionGenetics, part of Exact Sciences
Classification: Likely benign for BLVRA-related condition. Last evaluated: 2026-03-24. Review status: criteria provided, single submitter. Criteria: ACMG Guidelines, 2015. Collection method: clinical testing. Allele origin: germline.
Comment: This variant is classified as likely benign based on ACMG/AMP sequence variant interpretation guidelines (Richards et al. 2015 PMID: 25741868, with internal and published modifications).

Labcorp Genetics (formerly Invitae), Labcorp
Classification: Likely benign. Last evaluated: 2025-10-07. Review status: criteria provided, single submitter. Criteria: Invitae Variant Classification Sherloc (09022015). Collection method: clinical testing. Allele origin: germline.

Ambry Genetics
Classification: Uncertain significance. Last evaluated: 2021-10-12. Review status: criteria provided, single submitter. Criteria: Ambry Variant Classification Scheme 2023. Collection method: clinical testing. Allele origin: germline.